The following is an entry in ClinVar:

NM_145286.3(STOML3):c.490C>T (p.Arg164Ter)

Gene: STOML3 (stomatin like 3; minus strand). Cytogenetic location: 13q13.3.
Variant type: single nucleotide variant.
Coding change: c.490C>T on transcript NM_145286.3 (MANE Select); coding-DNA position 490, C replaced by T.
Protein change: p.Arg164Ter; replaces arginine 164 with a stop codon.
Molecular consequence: nonsense.
Genome position (GRCh38, 1-based): chr13:38,970,211, G>A on the plus strand (C>T on the coding strand, the complement: STOML3 is on the minus strand). VCF-style: chr13-38970211-G-A. GRCh37 (hg19) VCF-style: chr13-39544348-G-A.
Other names: c.463C>T, p.Arg155Ter (NM_001144033.2); short protein forms R155*, R164*.
Identifiers: ClinVar variation 4880120 (VCV004880120.1).

ClinVar aggregate classification (germline): Likely pathogenic (1 of 4 stars; one submission).

Conditions:
Primary ciliary dyskinesia. Also called: Ciliary dyskinesia. Identifiers: Orphanet 244, MedGen C0008780, MONDO:0016575, HP:0012265.

gnomAD v4.1: 1,927 of 1,613,680 alleles (0.12%); highest among the groups gnomAD compares: Non-Finnish European, 0.15%; 7 homozygotes.

Submission:

Department of Human Genetics, Hannover Medical School
Classification: Likely pathogenic for Primary Ciliary Dyskinesia. Last evaluated: 2026-04-01. Review status: criteria provided, single submitter. Criteria: ACMG Guidelines, 2015. Collection method: research. Allele origin: germline. Affected: no.
Comment: Classification performed by HerediClassify using the following criteria:['PM2_supporting: Variant occures does not occur as homozygous in gnomAD.', 'PVS1_protein_very_strong: Transcript ENST00000379631 is predicted to undergo NMD.']